The following is an entry in ClinVar:

NM_007294.4(BRCA1):c.5361T>G (p.Cys1787Trp)

Gene: BRCA1 (BRCA1 DNA repair associated; minus strand). Cytogenetic location: 17q21.31.
Variant type: single nucleotide variant.
Coding change: c.5361T>G on transcript NM_007294.4 (MANE Select); coding-DNA position 5361, T replaced by G.
Protein change: p.Cys1787Trp; replaces cysteine 1787 with tryptophan.
Molecular consequence: missense variant. On other transcripts: non-coding transcript variant (1), intron variant (1).
Genome position (GRCh38, 1-based): chr17:43,049,166, A>C on the plus strand (T>G on the coding strand, the complement: BRCA1 is on the minus strand). VCF-style: chr17-43049166-A-C. GRCh37 (hg19) VCF-style: chr17-41201183-A-C.
Other names: c.5148T>G, p.Cys1716Trp (NM_001407571.1, NM_001407907.1, NM_001407908.1 and 12 more transcripts); c.5427T>G, p.Cys1809Trp (NM_001407581.1, NM_001407582.1); c.5424T>G, p.Cys1808Trp (NM_001407583.1, NM_001407585.1, NM_001407587.1 and 1 more transcripts); c.5421T>G, p.Cys1807Trp (NM_001407590.1, NM_001407591.1); c.5361T>G, p.Cys1787Trp (NM_001407593.1, NM_001407594.1, NM_001407596.1 and 5 more transcripts); c.5358T>G, p.Cys1786Trp (NM_001407610.1, NM_001407611.1, NM_001407612.1 and 14 more transcripts); c.5355T>G, p.Cys1785Trp (NM_001407627.1, NM_001407628.1, NM_001407629.1 and 13 more transcripts); c.5346T>G, p.Cys1782Trp (NM_001407647.1); and 73 more; short protein forms C1740W, C683W, C1787W, C1808W, C1633W, C1675W, C1715W, C1739W.
Identifiers: ClinVar variation 868032 (VCV000868032.8), dbSNP rs2051087788, ClinGen allele CA10590742.
Genomic context (GRCh38, chr17:43,049,166, plus strand): 5'-GCACCCAATACTTACTGTGCCAAGGGTGAATGATGAAAGCTCCTTCACCACAGAAGCACC[A>C]CACAGCTGTACCATCCATTCCAGTTGATCTAAAATGGACATTTAGATGTAAAATCACTGC-3'
Protein context (NP_009225.1, residues 1777-1797): TDQLEWMVQL[Cys1787Trp]GASVVKELSS

ClinVar aggregate classification (germline): Uncertain significance (1 of 4 stars; one submission).

Conditions:
Hereditary breast ovarian cancer syndrome. Also called: Hereditary breast and ovarian cancer; Hereditary breast and ovarian cancer syndrome (HBOC); Breast and ovarian cancer; Hereditary breast and/or ovarian cancer syndrome; BRCA1- and BRCA2-Associated Hereditary Breast and Ovarian Cancer; Hereditary breast and ovarian cancer syndrome. Identifiers: Orphanet 145, MedGen C0677776, MeSH D061325, MONDO:0003582. Disease mechanism: loss of function.

Submissions (2):

Labcorp Genetics (formerly Invitae), Labcorp
Classification: Uncertain significance for Hereditary breast ovarian cancer syndrome. Last evaluated: 2022-06-21. Review status: criteria provided, single submitter. Criteria: Invitae Variant Classification Sherloc (09022015). Collection method: clinical testing. Allele origin: germline.
Comment: In summary, the available evidence is currently insufficient to determine the role of this variant in disease. Therefore, it has been classified as a Variant of Uncertain Significance. Advanced modeling of experimental studies (such as gene expression, population dynamics, functional pathways, and cell-cycle effects in cell culture) performed at Invitae indicates that this missense variant is expected to disrupt BRCA1 protein function. ClinVar contains an entry for this variant (Variation ID: 868032). This variant has not been reported in the literature in individuals affected with BRCA1-related conditions. This variant is not present in population databases (gnomAD no frequency). This sequence change replaces cysteine, which is neutral and slightly polar, with tryptophan, which is neutral and slightly polar, at codon 1787 of the BRCA1 protein (p.Cys1787Trp).

Brotman Baty Institute, University of Washington
No classification provided (evidence only). Condition: Breast-ovarian cancer, familial 1. Review status: no classification provided. Collection method: in vitro. Allele origin: not applicable. Functional consequence: functionally_abnormal. Not counted in ClinVar's aggregate classification.
ClinVar note: "not provided" was previously submitted as the classification for the variant. However, the classification appeared to be based only on an observation of functional data so it was converted to no classification on 2025-07-30.